The following is an entry in ClinVar:

NM_001111.5(ADAR):c.142A>G (p.Lys48Glu)

Gene: ADAR (adenosine deaminase RNA specific; minus strand). Cytogenetic location: 1q21.3.
Variant type: single nucleotide variant.
Coding change: c.142A>G on transcript NM_001111.5 (MANE Select); coding-DNA position 142, A replaced by G.
Protein change: p.Lys48Glu; replaces lysine 48 with glutamic acid.
Molecular consequence: missense variant. On other transcripts: 5 prime UTR variant (6).
Genome position (GRCh38, 1-based): chr1:154,602,500, T>C on the plus strand (A>G on the coding strand, the complement: ADAR is on the minus strand). VCF-style: chr1-154602500-T-C. GRCh37 (hg19) VCF-style: chr1-154574976-T-C.
Other names: c.-744A>G (NM_001025107.3, NM_001193495.2, NM_001365048.1); c.169A>G, p.Lys57Glu (NM_001365045.1); c.-608A>G (NM_001365046.1, NM_001365047.1, NM_001365049.1); c.142A>G, p.Lys48Glu (NM_015840.4, NM_015841.4); short protein forms K48E, K57E.
Identifiers: ClinVar variation 1714841 (VCV001714841.5), dbSNP rs2526671455, ClinGen allele CA342606580.

ClinVar aggregate classification (germline): Uncertain significance (1 of 4 stars; one submission).

Conditions:
Aicardi-Goutieres syndrome 6 (AGS6). Identifiers: Orphanet 51, MedGen C3539013, MONDO:0014007, OMIM 615010.
Symmetrical dyschromatosis of extremities (DSH). Also called: DYSCHROMATOSIS SYMMETRICA HEREDITARIA 1; Dyschromatosis symmetrica hereditaria; RETICULATE ACROPIGMENTATION OF DOHI; SYMMETRIC DYSCHROMATOSIS OF THE EXTREMITIES. Identifiers: Orphanet 41, MedGen C0406775, MONDO:0007483, OMIM 127400.

Submission:

Labcorp Genetics (formerly Invitae), Labcorp
Classification: Uncertain significance for Aicardi-Goutieres syndrome 6; Symmetrical dyschromatosis of extremities. Last evaluated: 2022-09-13. Review status: criteria provided, single submitter. Criteria: Invitae Variant Classification Sherloc (09022015). Collection method: clinical testing. Allele origin: germline.
Comment: In summary, the available evidence is currently insufficient to determine the role of this variant in disease. Therefore, it has been classified as a Variant of Uncertain Significance. Algorithms developed to predict the effect of missense changes on protein structure and function (SIFT, PolyPhen-2, Align-GVGD) all suggest that this variant is likely to be tolerated. This variant has not been reported in the literature in individuals affected with ADAR-related conditions. This variant is not present in population databases (gnomAD no frequency). This sequence change replaces lysine, which is basic and polar, with glutamic acid, which is acidic and polar, at codon 48 of the ADAR protein (p.Lys48Glu).